The following is an entry in ClinVar:

ClinVar aggregate classification (germline): Benign. Review status: criteria provided, multiple submitters, no conflicts (2 of 4 stars). 2 submissions from 2 submitters: Benign (2). Last evaluated 2018-06-18.

Allele frequency attached by ClinVar (database versions not stated): TOPMed 0.76844; 1000 Genomes Project 30x 0.71065; 1000 Genomes Project 0.71326; gnomAD exomes 0.78182; gnomAD 0.78424 and 0.78658.
gnomAD v4.1: 124,387 of 158,500 alleles (78%); highest among the groups gnomAD compares: Middle Eastern, 88%; 49,406 homozygotes.

Submissions (2):

GeneDx
Classification: Benign. Last evaluated: 2018-06-18. Review status: criteria provided, single submitter. Criteria: GeneDx Variant Classification (06012015). Collection method: clinical testing. Allele origin: germline. Affected: yes.
Comment: This variant is considered likely benign or benign based on one or more of the following criteria: it is a conservative change, it occurs at a poorly conserved position in the protein, it is predicted to be benign by multiple in silico algorithms, and/or has population frequency not consistent with disease.

Breakthrough Genomics
Classification: Benign. Review status: criteria provided, single submitter. Criteria: ACMG Guidelines, 2015. Collection method: not provided. Allele origin: germline. Inheritance: Autosomal dominant inheritance. Affected: yes.

NM_012470.3(TNPO3):c.-455T>C

Gene: TNPO3 (transportin 3; minus strand). Cytogenetic location: 7q32.1.
Variant type: single nucleotide variant.
Coding change: c.-455T>C on transcript NM_012470.3; 455 bases upstream of the start codon, T replaced by C.
Molecular consequence: non-coding transcript variant (on NR_002187.3).
Genome position (GRCh38, 1-based): chr7:129,055,225, A>G on the plus strand (T>C on the coding strand, the complement: TNPO3 is on the minus strand). VCF-style: chr7-129055225-A-G. GRCh37 (hg19) VCF-style: chr7-128695279-A-G.
Identifiers: ClinVar variation 679866 (VCV000679866.4), dbSNP rs2242029, ClinGen allele CA12654705.